The following is an entry in ClinVar:

NM_001367624.2(ZNF469):c.2553G>A (p.Met851Ile)

Gene: ZNF469 (zinc finger protein 469; plus strand). Cytogenetic location: 16q24.2.
Variant type: single nucleotide variant.
Coding change: c.2553G>A on transcript NM_001367624.2 (MANE Select); coding-DNA position 2553, G replaced by A.
Protein change: p.Met851Ile; replaces methionine 851 with isoleucine.
Molecular consequence: missense variant.
Genome position (GRCh38, 1-based): chr16:88,430,023, G>A. VCF-style: chr16-88430023-G-A. GRCh37 (hg19) VCF-style: chr16-88496431-G-A.
Other names: NM_001127464.1:c.2553G>A; short protein forms M851I.
Identifiers: ClinVar variation 1792979 (VCV001792979.2), dbSNP rs2507579155, ClinGen allele CA397073166.
Genomic context (GRCh38, chr16:88,430,023, plus strand): 5'-CCTGGACATGGAGGATGACGCCAAGCTGGACAGCCTCATCACAGAGGCGCTCAACGGCAT[G>A]GAGTACCAGTCGGACAACCCGGAGATCGACAGCAGCTTCATCGACGTCTTCGCGGACGAG-3'
Protein context (NP_001354553.1, residues 841-861): DSLITEALNG[Met851Ile]EYQSDNPEID

ClinVar aggregate classification (germline): Uncertain significance (1 of 4 stars; one submission).

Conditions:
Cardiovascular phenotype. Identifiers: MedGen CN230736.

Submission:

Ambry Genetics
Classification: Uncertain significance for Cardiovascular phenotype. Last evaluated: 2022-01-26. Review status: criteria provided, single submitter. Criteria: Ambry Variant Classification Scheme 2023. Collection method: clinical testing. Allele origin: germline.
Comment: The p.M851I variant (also known as c.2553G>A), located in coding exon 1 of the ZNF469 gene, results from a G to A substitution at nucleotide position 2553. The methionine at codon 851 is replaced by isoleucine, an amino acid with highly similar properties. This amino acid position is conserved. In addition, this alteration is predicted to be tolerated by in silico analysis. Since supporting evidence is limited at this time, the clinical significance of this alteration remains unclear.